The following is an entry in ClinVar:

NM_002439.5(MSH3):c.2570T>C (p.Ile857Thr)

Gene: MSH3 (mutS homolog 3; plus strand). Cytogenetic location: 5q14.1.
Variant type: single nucleotide variant.
Coding change: c.2570T>C on transcript NM_002439.5 (MANE Select); coding-DNA position 2570, T replaced by C.
Protein change: p.Ile857Thr; replaces isoleucine 857 with threonine.
Molecular consequence: missense variant.
Genome position (GRCh38, 1-based): chr5:80,792,759, T>C. VCF-style: chr5-80792759-T-C. GRCh37 (hg19) VCF-style: chr5-80088578-T-C.
Other names: short protein forms I857T.
Identifiers: ClinVar variation 1509555 (VCV001509555.6), dbSNP rs2112026685, ClinGen allele CA360272883.

ClinVar aggregate classification (germline): Uncertain significance (1 of 4 stars; one submission).

Submission:

Labcorp Genetics (formerly Invitae), Labcorp
Classification: Uncertain significance. Last evaluated: 2021-08-02. Review status: criteria provided, single submitter. Criteria: Invitae Variant Classification Sherloc (09022015). Collection method: clinical testing. Allele origin: germline.
Comment: In summary, the available evidence is currently insufficient to determine the role of this variant in disease. Therefore, it has been classified as a Variant of Uncertain Significance. Algorithms developed to predict the effect of missense changes on protein structure and function are either unavailable or do not agree on the potential impact of this missense change (SIFT: "Deleterious"; PolyPhen-2: "Possibly Damaging"; Align-GVGD: "Class C0"). This variant has not been reported in the literature in individuals affected with MSH3-related conditions. This variant is not present in population databases (ExAC no frequency). This sequence change replaces isoleucine with threonine at codon 857 of the MSH3 protein (p.Ile857Thr). The isoleucine residue is moderately conserved and there is a moderate physicochemical difference between isoleucine and threonine.